The following is an entry in ClinVar:

NM_005120.3(MED12):c.1565C>G (p.Ala522Gly)

Genes: MED12 (mediator complex subunit 12; plus strand), LOC126863275 (BRD4-independent group 4 enhancer GRCh37_chrX:70342400-70343599; plus strand). Cytogenetic location: Xq13.1.
Variant type: single nucleotide variant.
Coding change: c.1565C>G on transcript NM_005120.3 (MANE Select); coding-DNA position 1565, C replaced by G.
Protein change: p.Ala522Gly; replaces alanine 522 with glycine.
Molecular consequence: missense variant.
Genome position (GRCh38, 1-based): chrX:71,123,174, C>G. VCF-style: chrX-71123174-C-G. GRCh37 (hg19) VCF-style: chrX-70343024-C-G.
Other names: short protein forms A522G.
Identifiers: ClinVar variation 1308385 (VCV001308385.9), dbSNP rs1289442309, ClinGen allele CA413507488.

ClinVar aggregate classification (germline): Uncertain significance. Review status: criteria provided, multiple submitters, no conflicts (2 of 4 stars). 3 submissions from 3 submitters: Uncertain significance (3). Last evaluated 2025-08-28.

Conditions:
FG syndrome (FGS). Identifiers: MedGen C0220769, MONDO:0002010.
Familial thoracic aortic aneurysm and aortic dissection (TAAD). Also called: Thoracic aortic aneurysms and dissections. Identifiers: Orphanet 91387, MedGen C4707243, MONDO:0019625.

Allele frequency attached by ClinVar (database versions not stated): gnomAD exomes below 0.00001; TOPMed below 0.00001; gnomAD 0.00001.

Submissions (3):

GeneDx
Classification: Uncertain significance. Last evaluated: 2025-08-28. Review status: criteria provided, single submitter. Criteria: GeneDx Variant Classification Process June 2021. Collection method: clinical testing. Allele origin: germline. Affected: yes.
Comment: Not observed at significant frequency in large population cohorts (gnomAD); In silico analysis supports that this missense variant has a deleterious effect on protein structure/function; In silico analysis suggests this variant may impact gene splicing. In the absence of RNA/functional studies, the actual effect of this sequence change is unknown.; Has not been previously published as pathogenic or benign to our knowledge

Ambry Genetics
Classification: Uncertain significance for Familial thoracic aortic aneurysm and aortic dissection. Last evaluated: 2023-07-29. Review status: criteria provided, single submitter. Criteria: Ambry Variant Classification Scheme 2023. Collection method: clinical testing. Allele origin: germline.
Comment: The p.A522G variant (also known as c.1565C>G), located in coding exon 11 of the MED12 gene, results from a C to G substitution at nucleotide position 1565. The alanine at codon 522 is replaced by glycine, an amino acid with similar properties. This amino acid position is conserved. In addition, this alteration is predicted to be tolerated by in silico analysis. Since supporting evidence is limited at this time, the clinical significance of this alteration remains unclear.

Labcorp Genetics (formerly Invitae), Labcorp
Classification: Uncertain significance for FG syndrome. Last evaluated: 2022-09-01. Review status: criteria provided, single submitter. Criteria: Invitae Variant Classification Sherloc (09022015). Collection method: clinical testing. Allele origin: germline.
Comment: ClinVar contains an entry for this variant (Variation ID: 1308385). Advanced modeling of protein sequence and biophysical properties (such as structural, functional, and spatial information, amino acid conservation, physicochemical variation, residue mobility, and thermodynamic stability) performed at Invitae indicates that this missense variant is expected to disrupt MED12 protein function. Algorithms developed to predict the effect of sequence changes on RNA splicing suggest that this variant may create or strengthen a splice site. In summary, the available evidence is currently insufficient to determine the role of this variant in disease. Therefore, it has been classified as a Variant of Uncertain Significance. This variant has not been reported in the literature in individuals affected with MED12-related conditions. This sequence change replaces alanine, which is neutral and non-polar, with glycine, which is neutral and non-polar, at codon 522 of the MED12 protein (p.Ala522Gly). This variant is not present in population databases (gnomAD no frequency).